The following is an entry in ClinVar:

NM_001805.4(CEBPE):c.217G>A (p.Gly73Arg)

Gene: CEBPE (CCAAT enhancer binding protein epsilon; minus strand). Cytogenetic location: 14q11.2.
Variant type: single nucleotide variant.
Coding change: c.217G>A on transcript NM_001805.4 (MANE Select); coding-DNA position 217, G replaced by A.
Protein change: p.Gly73Arg; replaces glycine 73 with arginine.
Molecular consequence: missense variant.
Genome position (GRCh38, 1-based): chr14:23,118,875, C>T on the plus strand (G>A on the coding strand, the complement: CEBPE is on the minus strand). VCF-style: chr14-23118875-C-T. GRCh37 (hg19) VCF-style: chr14-23588084-C-T.
Other names: short protein forms G73R.
Identifiers: ClinVar variation 836534 (VCV000836534.10), dbSNP rs556715943, ClinGen allele CA7111263.
Genomic context (GRCh38, chr14:23,118,875, plus strand): 5'-GTGGAGGGTAGGCAAAGGGCCGAGGGTCAGGCGGCAAGTAGTGGGGGAAGGCAGGGGTTC[C>T]GGGGCCCTTGAGGCCTCTGGCCTCAGGCGCTGGCTTCACGGCAAAGAGATCGGAGAGAAG-3'
Protein context (NP_001796.2, residues 63-83): APEARGLKGP[Gly73Arg]TPAFPHYLPP

ClinVar aggregate classification (germline): Uncertain significance (1 of 4 stars; one submission).

Conditions:
Specific granule deficiency. Identifiers: Orphanet 169142, MedGen C0398593, MONDO:0009506.

Allele frequency attached by ClinVar (database versions not stated): gnomAD 0.00001 and 0.00002; gnomAD exomes 0.00001 and 0.00002; TOPMed 0.00001; ExAC 0.00002; 1000 Genomes Project 30x 0.00016; 1000 Genomes Project 0.00020.
gnomAD v4.1: 22 of 1,613,974 alleles (0.0014%); highest among the groups gnomAD compares: Middle Eastern, 0.017%; no homozygotes.

Submission:

Labcorp Genetics (formerly Invitae), Labcorp
Classification: Uncertain significance for Specific granule deficiency. Last evaluated: 2025-07-20. Review status: criteria provided, single submitter. Criteria: Invitae Variant Classification Sherloc (09022015). Collection method: clinical testing. Allele origin: germline.
Comment: This sequence change replaces glycine, which is neutral and non-polar, with arginine, which is basic and polar, at codon 73 of the CEBPE protein (p.Gly73Arg). This variant is present in population databases (rs556715943, gnomAD 0.007%). This variant has not been reported in the literature in individuals affected with CEBPE-related conditions. ClinVar contains an entry for this variant (Variation ID: 836534). An algorithm developed to predict the effect of missense changes on protein structure and function (PolyPhen-2) suggests that this variant is likely to be disruptive. In summary, the available evidence is currently insufficient to determine the role of this variant in disease. Therefore, it has been classified as a Variant of Uncertain Significance.